The following is an entry in ClinVar:

ClinVar aggregate classification (germline): Uncertain significance. Review status: criteria provided, multiple submitters, no conflicts (2 of 4 stars). 2 submissions from 2 submitters: Uncertain significance (2). Last evaluated 2025-10-02.

gnomAD v4.1: 24 of 1,613,730 alleles (0.0015%); highest among the groups gnomAD compares: Non-Finnish European, 0.0014%; no homozygotes.

Submissions (2):

Women's Health and Genetics/Laboratory Corporation of America, LabCorp
Classification: Uncertain significance. Last evaluated: 2025-10-02. Review status: criteria provided, single submitter. Criteria: LabCorp Variant Classification Summary - May 2015. Collection method: clinical testing. Allele origin: germline.
Comment: Variant summary: MAP1B c.3230C>T (p.Pro1077Leu) results in a non-conservative amino acid change in the encoded protein sequence. Algorithms developed to predict the effect of missense changes on protein structure and function are either unavailable or do not agree on the potential impact of this missense change. The variant allele was found at a frequency of 1.2e-05 in 250960 control chromosomes. The available data on variant occurrences in the general population are insufficient to allow any conclusion about variant significance. To our knowledge, no occurrence of c.3230C>T in individuals affected with MAP1B-related conditions and no experimental evidence demonstrating its impact on protein function have been reported. ClinVar contains an entry for this variant (Variation ID: 3771696). Based on the evidence outlined above, the variant was classified as uncertain significance.

CeGaT Center for Human Genetics Tuebingen
Classification: Uncertain significance. Last evaluated: 2024-12-01. Review status: criteria provided, single submitter. Criteria: CeGaT Center For Human Genetics Tuebingen Variant Classification Criteria Version 2. Collection method: clinical testing. Allele origin: germline. Affected: yes. Observed: 1 variant allele.
Comment: MAP1B: PM2:Supporting, BP4

NM_005909.5(MAP1B):c.3230C>T (p.Pro1077Leu)

Gene: MAP1B (microtubule associated protein 1B; plus strand). Cytogenetic location: 5q13.2.
Variant type: single nucleotide variant.
Coding change: c.3230C>T on transcript NM_005909.5 (MANE Select); coding-DNA position 3230, C replaced by T.
Protein change: p.Pro1077Leu; replaces proline 1077 with leucine.
Molecular consequence: missense variant.
Genome position (GRCh38, 1-based): chr5:72,196,585, C>T. VCF-style: chr5-72196585-C-T. GRCh37 (hg19) VCF-style: chr5-71492412-C-T.
Other names: c.2852C>T, p.Pro951Leu (NM_001324255.2); short protein forms P1077L, P951L.
Identifiers: ClinVar variation 3771696 (VCV003771696.14).